The following is an entry in ClinVar:

NM_024757.5(EHMT1):c.3892dup (p.Leu1298fs)

Gene: EHMT1 (euchromatic histone lysine methyltransferase 1; plus strand). Cytogenetic location: 9q34.3.
Variant type: Duplication.
Coding change: c.3892dup on transcript NM_024757.5 (MANE Select); coding-DNA position 3892, one base duplicated (C; older notation c.3892dupC).
Protein change: p.Leu1298fs; shifts the reading frame from leucine 1298.
Molecular consequence: frameshift variant.
Genome position (GRCh38, 1-based): chr9:137,834,948, C duplicated; the last of 5 consecutive C bases (chr9:137,834,944-137,834,948); duplicating any one gives the same sequence. VCF-style (leftmost placement, unchanged base first): chr9-137834943-A-AC. GRCh37 (hg19) VCF-style: chr9-140729395-A-AC.
Other names: c.3871dup, p.Leu1291fs (NM_001354263.2); short protein forms L1298fs, L1291fs.
Identifiers: ClinVar variation 2859648 (VCV002859648.3), dbSNP rs1269630811, ClinGen allele CA2579536667.
Genomic context (GRCh38, chr9:137,834,943, plus strand): 5'-GCGCGGCCCAGGAGGCCCAGGAGGACGGCTTGCCCGACACCAGCTCCGCGGCTGCCGCCG[A>AC]CCCCCTATGAGACGCCGCCGGCCAGCGGGGCGCTCGGGAGCCAGGGACCGCCGCGTCGCC-3'

ClinVar aggregate classification (germline): Uncertain significance (1 of 4 stars; one submission).

Conditions:
Kleefstra syndrome 1 (KLEFS1). Identifiers: Orphanet 261494, MedGen C0795833, MONDO:0027407, OMIM 610253.

Submission:

Labcorp Genetics (formerly Invitae), Labcorp
Classification: Uncertain significance for Kleefstra syndrome 1. Last evaluated: 2023-04-26. Review status: criteria provided, single submitter. Criteria: Invitae Variant Classification Sherloc (09022015). Collection method: clinical testing. Allele origin: germline.
Comment: This sequence change results in a frameshift in the EHMT1 gene (p.Leu1298Profs*21). While this is not anticipated to result in nonsense mediated decay, it is expected to disrupt the last 1 amino acid(s) of the EHMT1 protein and extend the protein by 19 additional amino acid residues. This variant is not present in population databases (gnomAD no frequency). This variant has not been reported in the literature in individuals affected with EHMT1-related conditions. Experimental studies and prediction algorithms are not available or were not evaluated, and the functional significance of this variant is currently unknown. In summary, the available evidence is currently insufficient to determine the role of this variant in disease. Therefore, it has been classified as a Variant of Uncertain Significance.